The following is an entry in ClinVar:

NM_001081.4(CUBN):c.1530G>A (p.Lys510=)

Gene: CUBN (cubilin; minus strand). Cytogenetic location: 10p13.
Variant type: single nucleotide variant.
Coding change: c.1530G>A on transcript NM_001081.4 (MANE Select); coding-DNA position 1530, G replaced by A.
Protein change: p.Lys510=; no amino-acid change (lysine 510 retained).
Molecular consequence: synonymous variant.
Genome position (GRCh38, 1-based): chr10:17,103,125, C>T on the plus strand (G>A on the coding strand, the complement: CUBN is on the minus strand). VCF-style: chr10-17103125-C-T. GRCh37 (hg19) VCF-style: chr10-17145124-C-T.
Identifiers: ClinVar variation 56321 (VCV000056321.2), dbSNP rs386833769, ClinGen allele CA144251.

ClinVar aggregate classification (germline): Likely pathogenic (0 of 4 stars; one submission).

Conditions:
Imerslund-Grasbeck syndrome. Also called: PERNICIOUS ANEMIA, JUVENILE, DUE TO SELECTIVE INTESTINAL MALABSORPTION OF VITAMIN B12, WITH PROTEINURIA; Megaloblastic anemia due to inborn errors of metabolism; Imerslund-Gräsbeck syndrome; ENTEROCYTE COBALAMIN MALABSORPTION; ENTEROCYTE INTRINSIC FACTOR RECEPTOR, DEFECT OF. Identifiers: Orphanet 35858, MedGen C4551825, MONDO:0009853.

Submission:

Juha Muilu Group; Institute for Molecular Medicine Finland (FIMM)
Classification: Likely pathogenic for Megaloblastic anemia due to inborn errors of metabolism. Review status: no assertion criteria provided. Collection method: not provided. Allele origin: unknown.
Comment: FinDis database variant: This variant was not found or characterized by our laboratory, data were collected from public sources: see reference
ClinVar note: Converted during submission from probable-pathogenic to Likely pathogenic.